The following is an entry in ClinVar:

NM_020461.4(TUBGCP6):c.1315T>C (p.Tyr439His)

Gene: TUBGCP6 (tubulin gamma complex component 6; minus strand). Cytogenetic location: 22q13.33.
Variant type: single nucleotide variant.
Coding change: c.1315T>C on transcript NM_020461.4 (MANE Select); coding-DNA position 1315, T replaced by C.
Protein change: p.Tyr439His; replaces tyrosine 439 with histidine.
Molecular consequence: missense variant.
Genome position (GRCh38, 1-based): chr22:50,228,004, A>G on the plus strand (T>C on the coding strand, the complement: TUBGCP6 is on the minus strand). VCF-style: chr22-50228004-A-G. GRCh37 (hg19) VCF-style: chr22-50666433-A-G.
Other names: short protein forms Y439H.
Identifiers: ClinVar variation 859150 (VCV000859150.11), dbSNP rs760492021, ClinGen allele CA10308739.
Genomic context (GRCh38, chr22:50,228,004, plus strand): 5'-TGGTGAGGAGGCTCAGGGTGGGCGGAGTGGAAAGGACGCAGGCCCGGTAATACTGCAGGT[A>G]CCTCCTCAGGCCACTGGTGAAGGCCTGTGGGCAAAGAGGCTGGGAGGAGGGCGGCCAGGC-3'
Protein context (NP_065194.3, residues 429-449): FQAFTSGLRR[Tyr439His]LQYYRACVLS

ClinVar aggregate classification (germline): Uncertain significance (1 of 4 stars; one submission).

Allele frequency attached by ClinVar (database versions not stated): gnomAD exomes below 0.00001 and 0.00001; TOPMed below 0.00001; ExAC 0.00004.
gnomAD v4.1: 1 of 1,565,886 alleles (0.000064%); highest among the groups gnomAD compares: Non-Finnish European, 0.000087%; no homozygotes.

Submission:

Labcorp Genetics (formerly Invitae), Labcorp
Classification: Uncertain significance. Last evaluated: 2022-03-10. Review status: criteria provided, single submitter. Criteria: Invitae Variant Classification Sherloc (09022015). Collection method: clinical testing. Allele origin: germline.
Comment: This sequence change replaces tyrosine, which is neutral and polar, with histidine, which is basic and polar, at codon 439 of the TUBGCP6 protein (p.Tyr439His). The frequency data for this variant in the population databases is considered unreliable, as metrics indicate poor data quality at this position in the gnomAD database. This variant has not been reported in the literature in individuals affected with TUBGCP6-related conditions. ClinVar contains an entry for this variant (Variation ID: 859150). Algorithms developed to predict the effect of missense changes on protein structure and function are either unavailable or do not agree on the potential impact of this missense change (SIFT: "Deleterious"; PolyPhen-2: "Probably Damaging"; Align-GVGD: "Class C0"). In summary, the available evidence is currently insufficient to determine the role of this variant in disease. Therefore, it has been classified as a Variant of Uncertain Significance.